The following is an entry in ClinVar:

NM_001379286.1(ZNF423):c.751G>T (p.Ala251Ser)

Gene: ZNF423 (zinc finger protein 423; minus strand). Cytogenetic location: 16q12.1.
Variant type: single nucleotide variant.
Coding change: c.751G>T on transcript NM_001379286.1 (MANE Select); coding-DNA position 751, G replaced by T.
Protein change: p.Ala251Ser; replaces alanine 251 with serine.
Molecular consequence: missense variant.
Genome position (GRCh38, 1-based): chr16:49,638,425, C>A on the plus strand (G>T on the coding strand, the complement: ZNF423 is on the minus strand). VCF-style: chr16-49638425-C-A. GRCh37 (hg19) VCF-style: chr16-49672336-C-A.
Other names: c.547G>T, p.Ala183Ser (NM_001271620.2); c.376G>T, p.Ala126Ser (NM_001330533.2); c.727G>T, p.Ala243Ser (NM_015069.5); short protein forms A126S, A183S, A243S, A251S.
Identifiers: ClinVar variation 2056360 (VCV002056360.4), dbSNP rs2507024741, ClinGen allele CA395851606.
Genomic context (GRCh38, chr16:49,638,425, plus strand): 5'-AGTCGTCCTTCTTGGCTTCCTTCTCCGACTTGGCCAGATGCTCCTTGTTCTTTTTGTGGG[C>A]CTGCATGTGGCTCTGCAGCGAGCTGGTGGAGGAGAAGCCGCGCTTGCACACAGTGCACTT-3'
Protein context (NP_001366215.1, residues 241-261): STSSLQSHMQ[Ala251Ser]HKKNKEHLAK

ClinVar aggregate classification (germline): Uncertain significance (1 of 4 stars; one submission).

Conditions:
Nephronophthisis 14 (NPHP14). Identifiers: Orphanet 2318, MedGen C3539071, MONDO:0013916, OMIM 614844.

Submission:

Labcorp Genetics (formerly Invitae), Labcorp
Classification: Uncertain significance for Nephronophthisis 14. Last evaluated: 2021-12-23. Review status: criteria provided, single submitter. Criteria: Invitae Variant Classification Sherloc (09022015). Collection method: clinical testing. Allele origin: germline.
Comment: In summary, the available evidence is currently insufficient to determine the role of this variant in disease. Therefore, it has been classified as a Variant of Uncertain Significance. This sequence change replaces alanine, which is neutral and non-polar, with serine, which is neutral and polar, at codon 243 of the ZNF423 protein (p.Ala243Ser). This variant is not present in population databases (gnomAD no frequency). This variant has not been reported in the literature in individuals affected with ZNF423-related conditions. Algorithms developed to predict the effect of missense changes on protein structure and function (SIFT, PolyPhen-2, Align-GVGD) all suggest that this variant is likely to be tolerated.